The following is an entry in ClinVar:

ClinVar aggregate classification (germline): Uncertain significance (1 of 4 stars; one submission).

gnomAD v4.1: 21 of 1,613,988 alleles (0.0013%); highest among the groups gnomAD compares: South Asian, 0.0033%; no homozygotes.

Submission:

Labcorp Genetics (formerly Invitae), Labcorp
Classification: Uncertain significance. Last evaluated: 2025-05-26. Review status: criteria provided, single submitter. Criteria: Invitae Variant Classification Sherloc (09022015). Collection method: clinical testing. Allele origin: germline.
Comment: This sequence change replaces arginine, which is basic and polar, with tryptophan, which is neutral and slightly polar, at codon 4317 of the RNF213 protein (p.Arg4317Trp). This variant is present in population databases (rs759256018, gnomAD 0.003%). This variant has not been reported in the literature in individuals affected with RNF213-related conditions. ClinVar contains an entry for this variant (Variation ID: 3620560). Invitae Evidence Modeling of protein sequence and biophysical properties (such as structural, functional, and spatial information, amino acid conservation, physicochemical variation, residue mobility, and thermodynamic stability) indicates that this missense variant is not expected to disrupt RNF213 protein function with a negative predictive value of 95%. In summary, the available evidence is currently insufficient to determine the role of this variant in disease. Therefore, it has been classified as a Variant of Uncertain Significance.

NM_001256071.3(RNF213):c.12949C>T (p.Arg4317Trp)

Genes: RNF213 (ring finger protein 213; plus strand), RNF213-AS1 (RNF213 antisense RNA 1; minus strand). Cytogenetic location: 17q25.3.
Variant type: single nucleotide variant.
Coding change: c.12949C>T on transcript NM_001256071.3 (MANE Select); coding-DNA position 12949, C replaced by T.
Protein change: p.Arg4317Trp; replaces arginine 4317 with tryptophan.
Molecular consequence: missense variant.
Genome position (GRCh38, 1-based): chr17:80,374,464, C>T. VCF-style: chr17-80374464-C-T. GRCh37 (hg19) VCF-style: chr17-78348264-C-T.
Other names: c.13096C>T, p.Arg4366Trp (NM_001410195.1, NM_020914.5); short protein forms R4317W, R4366W.
Identifiers: ClinVar variation 3620560 (VCV003620560.2).
Genomic context (GRCh38, chr17:80,374,464, plus strand): 5'-TCTTTGCAAGACATTCCTCCCATTGTTCACCCCCAACTAACCTCTGTATTCCAGGGGCTG[C>T]GGCAGGACCACCCAGGCCAGATGGATAGGTACCTGGTGTACGGCGATGAATACAAGGCTC-3'
Protein context (NP_001243000.2, residues 4307-4327): PKDVVKQQGL[Arg4317Trp]QDHPGQMDRY